The following is an entry in ClinVar:

NM_000217.3(KCNA1):c.222C>A (p.Asp74Glu)

Gene: KCNA1 (potassium voltage-gated channel subfamily A member 1; plus strand). Cytogenetic location: 12p13.32.
Variant type: single nucleotide variant.
Coding change: c.222C>A on transcript NM_000217.3 (MANE Select); coding-DNA position 222, C replaced by A.
Protein change: p.Asp74Glu; replaces aspartic acid 74 with glutamic acid.
Molecular consequence: missense variant.
Genome position (GRCh38, 1-based): chr12:4,911,600, C>A. VCF-style: chr12-4911600-C-A. GRCh37 (hg19) VCF-style: chr12-5020766-C-A.
Other names: short protein forms D74E.
Identifiers: ClinVar variation 4077266 (VCV004077266.1).
Genomic context (GRCh38, chr12:4,911,600, plus strand): 5'-CCTGGCGCAGTTCCCCAACACGCTGCTGGGCAACCCTAAGAAACGCATGCGCTACTTCGA[C>A]CCCCTGAGGAACGAGTACTTCTTCGACCGCAACCGGCCCAGCTTCGACGCCATCCTCTAC-3'
Protein context (NP_000208.2, residues 64-84): GNPKKRMRYF[Asp74Glu]PLRNEYFFDR

ClinVar aggregate classification (germline): Uncertain significance (1 of 4 stars; one submission).

Submission:

GeneDx
Classification: Uncertain significance. Last evaluated: 2025-02-25. Review status: criteria provided, single submitter. Criteria: GeneDx Variant Classification Process June 2021. Collection method: clinical testing. Allele origin: germline. Affected: yes.
Comment: Not observed at significant frequency in large population cohorts (gnomAD); In silico analysis supports that this missense variant has a deleterious effect on protein structure/function; Has not been previously published as pathogenic or benign to our knowledge